The following is an entry in ClinVar:

ClinVar aggregate classification (germline): Uncertain significance (1 of 4 stars; one submission).

Submission:

Labcorp Genetics (formerly Invitae), Labcorp
Classification: Uncertain significance. Last evaluated: 2022-08-09. Review status: criteria provided, single submitter. Criteria: Invitae Variant Classification Sherloc (09022015). Collection method: clinical testing. Allele origin: germline.
Comment: This variant has not been reported in the literature in individuals affected with CTDP1-related conditions. This variant is not present in population databases (gnomAD no frequency). This sequence change creates a premature translational stop signal (p.Ala910Argfs*14) in the CTDP1 gene. While this is not anticipated to result in nonsense mediated decay, it is expected to disrupt the last 52 amino acid(s) of the CTDP1 protein. In summary, the available evidence is currently insufficient to determine the role of this variant in disease. Therefore, it has been classified as a Variant of Uncertain Significance. Experimental studies and prediction algorithms are not available or were not evaluated, and the functional significance of this variant is currently unknown.

NM_004715.5(CTDP1):c.2727_2728del (p.Ala910fs)

Gene: CTDP1 (CTD phosphatase subunit 1; plus strand). Cytogenetic location: 18q23.
Variant type: Deletion.
Coding change: c.2727_2728del on transcript NM_004715.5 (MANE Select); coding-DNA positions 2727 to 2728, 2 bases deleted (GG; older notation c.2727_2728delGG).
Protein change: p.Ala910fs; shifts the reading frame from alanine 910.
Molecular consequence: frameshift variant. On other transcripts: intron variant (1).
Genome position (GRCh38, 1-based): chr18:79,736,501-79,736,502, GG deleted. VCF-style (leftmost placement, unchanged base first): chr18-79736500-CGG-C. GRCh37 (hg19) VCF-style: chr18-77496500-CGG-C.
Other names: c.2370_2371del, p.Ala791fs (NM_001202504.1); c.2564_2565del, p.Arg855fs (NM_048368.4); c.2580+7432_2580+7433del (NM_001318511.2); short protein forms A910fs, R855fs, A791fs.
Identifiers: ClinVar variation 2022579 (VCV002022579.4), dbSNP rs2512150063, ClinGen allele CA2580096016.